The following is an entry in ClinVar:

ClinVar aggregate classification (germline): Likely benign. Review status: criteria provided, multiple submitters, no conflicts (2 of 4 stars). 3 submissions from 3 submitters: Likely benign (2). 1 of the submissions does not count toward it. Last evaluated 2025-04-08.

Conditions:
RAI1-related disorder. Also called: RAI1-related condition.

Allele frequency attached by ClinVar (database versions not stated): gnomAD 0.00003 and 0.00004; gnomAD exomes 0.00004 and 0.00007; TOPMed 0.00005; ExAC 0.00007.
gnomAD v4.1: 55 of 1,613,780 alleles (0.0034%); highest among the groups gnomAD compares: Non-Finnish European, 0.0033%; no homozygotes.

Submissions (3):

Labcorp Genetics (formerly Invitae), Labcorp
Classification: Likely benign. Last evaluated: 2025-04-08. Review status: criteria provided, single submitter. Criteria: Invitae Variant Classification Sherloc (09022015). Collection method: clinical testing. Allele origin: germline.

CeGaT Center for Human Genetics Tuebingen
Classification: Likely benign. Last evaluated: 2024-10-01. Review status: criteria provided, single submitter. Criteria: CeGaT Center For Human Genetics Tuebingen Variant Classification Criteria Version 2. Collection method: clinical testing. Allele origin: germline. Affected: yes. Observed: 2 variant alleles.
Comment: RAI1: BP4

PreventionGenetics, part of Exact Sciences
Classification: Likely benign for RAI1-related condition. Last evaluated: 2021-12-14. Review status: no assertion criteria provided. Collection method: clinical testing. Allele origin: germline. Not counted in ClinVar's aggregate classification.
Comment: This variant is classified as likely benign based on ACMG/AMP sequence variant interpretation guidelines (Richards et al. 2015 PMID: 25741868, with internal and published modifications).

NM_030665.4(RAI1):c.4692G>A (p.Gln1564=)

Gene: RAI1 (retinoic acid induced 1; plus strand). Cytogenetic location: 17p11.2.
Variant type: single nucleotide variant.
Coding change: c.4692G>A on transcript NM_030665.4 (MANE Select); coding-DNA position 4692, G replaced by A.
Protein change: p.Gln1564=; no amino-acid change (glutamine 1564 retained).
Molecular consequence: synonymous variant.
Genome position (GRCh38, 1-based): chr17:17,797,640, G>A. VCF-style: chr17-17797640-G-A. GRCh37 (hg19) VCF-style: chr17-17700954-G-A.
Other names: c.4692G>A (NM_030665.3).
Identifiers: ClinVar variation 1335262 (VCV001335262.40), dbSNP rs768601591, ClinGen allele CA8419009.